The following is an entry in ClinVar:

ClinVar aggregate classification (germline): Uncertain significance (1 of 4 stars; one submission).

Conditions:
Familial cancer of breast. Also called: Hereditary breast cancer; BREAST CANCER, FAMILIAL; hereditary breast carcinoma. Identifiers: Orphanet 227535, MedGen C0346153, MONDO:0016419, OMIM 114480. Disease mechanism: loss of function.

Submission:

Labcorp Genetics (formerly Invitae), Labcorp
Classification: Uncertain significance for Familial cancer of breast. Last evaluated: 2022-09-26. Review status: criteria provided, single submitter. Criteria: Invitae Variant Classification Sherloc (09022015). Collection method: clinical testing. Allele origin: germline.
Comment: This sequence change replaces glutamine, which is neutral and polar, with arginine, which is basic and polar, at codon 39 of the PALB2 protein (p.Gln39Arg). This variant is not present in population databases (gnomAD no frequency). This variant has not been reported in the literature in individuals affected with PALB2-related conditions. Algorithms developed to predict the effect of missense changes on protein structure and function output the following: SIFT: "Deleterious"; PolyPhen-2: "Benign"; Align-GVGD: "Class C0". The arginine amino acid residue is found in multiple mammalian species, which suggests that this missense change does not adversely affect protein function. In summary, the available evidence is currently insufficient to determine the role of this variant in disease. Therefore, it has been classified as a Variant of Uncertain Significance.

NM_024675.4(PALB2):c.116A>G (p.Gln39Arg)

Gene: PALB2 (partner and localizer of BRCA2; minus strand). Cytogenetic location: 16p12.2.
Variant type: single nucleotide variant.
Coding change: c.116A>G on transcript NM_024675.4 (MANE Select); coding-DNA position 116, A replaced by G.
Protein change: p.Gln39Arg; replaces glutamine 39 with arginine.
Molecular consequence: missense variant.
Genome position (GRCh38, 1-based): chr16:23,637,945, T>C on the plus strand (A>G on the coding strand, the complement: PALB2 is on the minus strand). VCF-style: chr16-23637945-T-C. GRCh37 (hg19) VCF-style: chr16-23649266-T-C.
Other names: c.56A>G, p.Gln19Arg (NM_001407296.1); c.116A>G, p.Gln39Arg (NM_001407297.1, NM_001407298.1, NM_001407299.1 and 3 more transcripts); c.-770A>G (NM_001407304.1, NM_001407305.1, NM_001407306.1 and 5 more transcripts); short protein forms Q19R, Q39R.
Identifiers: ClinVar variation 1881170 (VCV001881170.5), dbSNP rs1555462083, ClinGen allele CA395139460.
Genomic context (GRCh38, chr16:23,637,945, plus strand): 5'-GACAAACAATCTTGTTCTTCTACTGTTTTCTTAATAGAATGCTTAATCTTTTCAGCTCTT[T>C]GGGCACGCTAGAGGAGACAAAAACAGCCCCAGAAATACGTTTTCTTTAAAGTTTTATAGA-3'
Protein context (NP_078951.2, residues 29-49): SKTLARLQRA[Gln39Arg]RAEKIKHSIK